The following is an entry in ClinVar:

NM_000051.4(ATM):c.8266A>T (p.Lys2756Ter)

Genes: ATM (ATM serine/threonine kinase; plus strand), C11orf65 (chromosome 11 open reading frame 65; minus strand). Cytogenetic location: 11q22.3.
Variant type: single nucleotide variant.
Coding change: c.8266A>T on transcript NM_000051.4 (MANE Select); coding-DNA position 8266, A replaced by T.
Protein change: p.Lys2756Ter; replaces lysine 2756 with a stop codon.
Molecular consequence: nonsense. On other transcripts: intron variant (2).
Genome position (GRCh38, 1-based): chr11:108,335,959, A>T. VCF-style: chr11-108335959-A-T. GRCh37 (hg19) VCF-style: chr11-108206686-A-T.
Other names: p.K2756*:AAG>TAG; NM_000051.4(ATM):c.8266A>T; p.Lys2756Ter; p.Lys2756*; c.8266A>T (NM_000051.2); c.8266A>T, p.Lys2756Ter (NM_001351834.2); c.641-26888T>A (NM_001330368.2); c.695-667T>A (NM_001351110.2); short protein forms K2756*.
Identifiers: ClinVar variation 135780 (VCV000135780.83), dbSNP rs371638537, ClinGen allele CA293899.

ClinVar aggregate classification (germline): Pathogenic. Review status: reviewed by expert panel (3 of 4 stars). 26 submissions from 25 submitters: Pathogenic (1). 25 of the submissions do not count toward it. Last evaluated 2024-11-26.

Conditions:
Familial ovarian cancer. Identifiers: MedGen C5679802, MONDO:0016248.
Inherited breast cancer and ovarian cancer.
ATM-related cancer predisposition. Also called: ATM-related cancer susceptibility. Identifiers: MedGen CN377759, MONDO:0700270.
ATM-related disorder. Also called: ATM-related disorders; ATM-related condition.
Hereditary cancer-predisposing syndrome. Also called: Neoplastic Syndromes, Hereditary; Hereditary Cancer Syndrome; Tumor predisposition; Hereditary neoplastic syndrome. Identifiers: Orphanet 140162, MedGen C0027672, MeSH D009386, MONDO:0015356.
Breast and/or ovarian cancer. Identifiers: MedGen CN221562.
Familial cancer of breast. Also called: BREAST CANCER, FAMILIAL; hereditary breast carcinoma; Hereditary breast cancer. Identifiers: Orphanet 227535, MedGen C0346153, MONDO:0016419, OMIM 114480. Disease mechanism: loss of function.
Ataxia-telangiectasia syndrome (AT). Also called: Ataxia-telangiectasia, complementation group D; AT, COMPLEMENTATION GROUP C; Ataxia-telangiectasia; ATAXIA-TELANGIECTASIA, COMPLEMENTATION GROUP A; ATAXIA-TELANGIECTASIA, FRESNO VARIANT; Ataxia-telangiectasia, complementation group E. Identifiers: Orphanet 100, MedGen C0004135, MONDO:0008840, OMIM 208900.

Allele frequency attached by ClinVar (database versions not stated): TOPMed 0.00001; gnomAD exomes 0.00002 and 0.00005; ESP Exome Variant Server 0.00008; ExAC 0.00001; gnomAD 0.00001.
gnomAD v4.1: 73 of 1,603,576 alleles (0.0046%); highest among the groups gnomAD compares: Non-Finnish European, 0.006%; 1 homozygote.

Submissions 1 to 10 of 26:

ClinGen Hereditary Breast, Ovarian and Pancreatic Cancer Variant Curation Expert Panel, ClinGen
Classification: Pathogenic for ATM-related cancer predisposition. Last evaluated: 2024-11-26. Review status: reviewed by expert panel. Criteria: ClinGen HBOP ACMG Specifications ATM V1.3.0. Collection method: curation. Allele origin: germline. Inheritance: Autosomal dominant inheritance.
Comment: The c.8266A>T (p.Lys2756*) variant in ATM is a nonsense variant predicted to cause a premature stop codon in biologically-relevant-exon leading to nonsense mediated decay in a gene in which loss-of-function is an established disease mechanism. This alteration results in a termination codon upstream of the most C-terminal pathogenic alteration (ATM p.Arg3047*), as classified by the HBOP VCEP, and is expected to be more deleterious. This variant has been detected in at least 3 individuals with Ataxia-Telangiectasia (PMID: 10330348, 12552559, 26896183). The highest population minor allele frequency in gnomAD v2.1.1 is 0.00003887 in the European (non-Finnish) population (PM2_Supporting, BS1, and BA1 are not met). In summary, this variant meets the criteria to be classified as pathogenic for autosomal dominant ATM-related cancer predisposition and autosomal recessive Ataxia-Telangiectasia based on the ACMG/AMP criteria applied, as specified by the HBOP VCEP. (PVS1, PM5_Supporting, PM3_Strong)

Genomics and Molecular Medicine Service, East Genomic Laboratory Hub, NHS Genomic Medicine Service
Classification: Pathogenic for Inherited breast cancer and ovarian cancer. Last evaluated: 2026-04-20. Review status: criteria provided, single submitter. Criteria: ACGS Best Practice Guidelines for Variant Classification in Rare Disease 2020. Collection method: clinical testing. Allele origin: germline. Affected: yes. Not counted in ClinVar's aggregate classification.
Comment: PVS1,PM3_Strong,PM5_Supporting

Labcorp Genetics (formerly Invitae), Labcorp
Classification: Pathogenic for Ataxia-telangiectasia syndrome. Last evaluated: 2026-01-27. Review status: criteria provided, single submitter. Criteria: Invitae Variant Classification Sherloc (09022015). Collection method: clinical testing. Allele origin: germline. Not counted in ClinVar's aggregate classification.
Comment: This sequence change creates a premature translational stop signal (p.Lys2756*) in the ATM gene. It is expected to result in an absent or disrupted protein product. Loss-of-function variants in ATM are known to be pathogenic (PMID: 23807571, 25614872). This variant is present in population databases (rs371638537, gnomAD 0.004%). This premature translational stop signal has been observed in individual(s) with ataxia-telangiectasia (A-T), chronic lymphocytic leukemia, medulloblastoma, pancreatic cancer, breast cancer and prostate cancer (PMID: 8659541, 9463314, 10330348, 11756185, 12552559, 21933854, 22585167, 25503501, 26094658, 26681312, 28007021). In at least one individual the data is consistent with being in trans (on the opposite chromosome) from a pathogenic variant. ClinVar contains an entry for this variant (Variation ID: 135780). RNA analysis performed to evaluate the impact of this premature translational stop signal on mRNA splicing indicates it does not significantly alter splicing (internal data). For these reasons, this variant has been classified as Pathogenic.

Cambridge Genomics Laboratory, East Genomic Laboratory Hub, NHS Genomic Medicine Service
Classification: Pathogenic for Inherited breast cancer and ovarian cancer. Last evaluated: 2026-01-13. Review status: criteria provided, single submitter. Criteria: ACGS Best Practice Guidelines for Variant Classification in Rare Disease 2020. Collection method: clinical testing. Allele origin: germline. Affected: yes. Not counted in ClinVar's aggregate classification.
Comment: PVS1,PM3,PM5_Supporting

Genetics Laboratory, Great Ormond Street Hospital NHS Foundation Trust, North Thames Genomic Laboratory Hub
Classification: Pathogenic for Inherited breast cancer and ovarian cancer. Last evaluated: 2025-12-09. Review status: criteria provided, single submitter. Criteria: CanVIG ATM Gene Specific V1.2. Collection method: clinical testing. Allele origin: germline. Affected: yes. Not counted in ClinVar's aggregate classification.
Comment: PVS1_very-strong, PM5_supporting, PM3_strong

Natera, Inc.
Classification: Pathogenic for Ataxia-telangiectasia. Last evaluated: 2025-11-12. Review status: criteria provided, single submitter. Criteria: Natera Variant Classification Schema (03/2026). Collection method: clinical testing. Allele origin: germline. Not counted in ClinVar's aggregate classification.
Comment: The c.8266A>T variant in ATM is a nonsense variant predicted to introduce a stop codon at amino acid 2756. This variant is expected to result in nonsense mediated decay, truncation, or a dysfunctional protein product. This variant is rare in the general population with a frequency below the threshold expected for the associated phenotype(s). This variant has been observed in one or more individuals affected with the associated recessive disease, as either homozygous or compound heterozygous with a second variant (PMID: 30549301). Given the available evidence, this variant is classified as Pathogenic.

PreventionGenetics, part of Exact Sciences
Classification: Pathogenic for ATM-related condition. Last evaluated: 2025-08-12. Review status: criteria provided, single submitter. Criteria: ACMG Guidelines, 2015. Collection method: clinical testing. Allele origin: germline. Not counted in ClinVar's aggregate classification.
Comment: The ATM c.8266A>T variant is predicted to result in premature protein termination (p.Lys2756*). This variant has been reported to be causative for ataxia telangiectasia, chronic lymphocytic leukemia, and breast and pancreatic cancer (Supplementary Table 1, Schon et al. 2019. PubMed ID: 30549301; Table 1, Telatar et al. 1996. PubMed ID: 8659541; Skowronska. et al. 2012. PubMed ID: 21933854; Roberts et al. 2012. PubMed ID: 22585167; Aloraifi et al. 2015. PubMed ID: 26094658). This variant is reported in 0.0039% of alleles in individuals of European (Non-Finnish) descent in gnomAD. It is interpreted as pathogenic by the vast majority of submitters in ClinVar (Variation ID: 135780). Nonsense variants in ATM are expected to be pathogenic. This variant is interpreted as pathogenic.

Mayo Clinic Laboratories, Mayo Clinic
Classification: Pathogenic. Last evaluated: 2025-07-03. Review status: criteria provided, single submitter. Criteria: ACMG Guidelines, 2015. Collection method: clinical testing. Allele origin: germline. Observed: 1 variant allele. Not counted in ClinVar's aggregate classification.
Comment: PM3_very_strong, PM5_supporting, PVS1

Ambry Genetics
Classification: Pathogenic for Hereditary cancer-predisposing syndrome. Last evaluated: 2025-06-27. Review status: criteria provided, single submitter. Criteria: Ambry Variant Classification Scheme 2023. Collection method: clinical testing. Allele origin: germline. Not counted in ClinVar's aggregate classification.
Comment: The p.K2756* pathogenic mutation (also known as c.8266A>T), located in coding exon 55 of the ATM gene, results from an A to T substitution at nucleotide position 8266. This changes the amino acid from a lysine to a stop codon within coding exon 55. This mutation has been reported in multiple individuals diagnosed with ataxia-telangiectasia (A-T) (Telatar M et al. Am. J. Hum. Genet. 1996 Jul;59:40-4; Teraoka SN et al. Am. J. Hum. Genet. 1999 Jun;64:1617-31; Buzin CH et al. Hum. Mutat. 2003 Feb;21:123-31). This alteration has also been detected in individuals with personal and/or family histories of breast cancer (Maxwell KN et al. Genet. Med. 2015 Aug;17:630-8; Aloraifi F et al. FEBS J. 2015 Sep;282:3424-37; Desmond A et al. JAMA Oncol. 2015 Oct;1:943-51). In addition to the clinical data presented in the literature, this alteration is expected to result in loss of function by premature protein truncation or nonsense-mediated mRNA decay. As such, this alteration is interpreted as a disease-causing mutation.

CeGaT Center for Human Genetics Tuebingen
Classification: Pathogenic. Last evaluated: 2025-02-01. Review status: criteria provided, single submitter. Criteria: CeGaT Center For Human Genetics Tuebingen Variant Classification Criteria Version 2. Collection method: clinical testing. Allele origin: germline. Affected: yes. Observed: 5 variant alleles. Not counted in ClinVar's aggregate classification.
Comment: ATM: PM3:Very Strong, PVS1, PM2, PS3:Supporting